The following is an entry in ClinVar:

ClinVar aggregate classification (germline): Likely pathogenic. Review status: criteria provided, multiple submitters, no conflicts (2 of 4 stars). 2 submissions from 2 submitters: Likely pathogenic (2). Last evaluated 2026-01-16.

Conditions:
Hereditary spherocytosis type 1. Also called: Spherocytosis type 1; ANK1-Related Spherocytosis. Identifiers: Orphanet 822, MedGen C2674218, MONDO:0008447, OMIM 182900.

Submissions (2):

Labcorp Genetics (formerly Invitae), Labcorp
Classification: Likely pathogenic. Last evaluated: 2026-01-16. Review status: criteria provided, single submitter. Criteria: Invitae Variant Classification Sherloc (09022015). Collection method: clinical testing. Allele origin: germline.
Comment: This sequence change affects an acceptor splice site in intron 7 of the ANK1 gene. It is expected to disrupt RNA splicing. Variants that disrupt the donor or acceptor splice site typically lead to a loss of protein function (PMID: 16199547), and loss-of-function variants in ANK1 are known to be pathogenic (PMID: 8640229). This variant is not present in population databases (gnomAD no frequency). This variant has not been reported in the literature in individuals affected with ANK1-related conditions. ClinVar contains an entry for this variant (Variation ID: 4081142). Algorithms developed to predict the effect of sequence changes on RNA splicing suggest that this variant may disrupt the consensus splice site. In summary, the currently available evidence indicates that the variant is pathogenic, but additional data are needed to prove that conclusively. Therefore, this variant has been classified as Likely Pathogenic.

Revvity Omics, Revvity
Classification: Likely pathogenic for Hereditary spherocytosis type 1. Last evaluated: 2024-07-16. Review status: criteria provided, single submitter. Criteria: ACMG Guidelines, 2015. Collection method: clinical testing. Allele origin: germline.

Literature cited by the submitters: PubMed 16199547 (cited by Labcorp Genetics (formerly Invitae), Labcorp); PubMed 8640229 (cited by Labcorp Genetics (formerly Invitae), Labcorp).

NM_000037.4(ANK1):c.712-1G>A

Gene: ANK1 (ankyrin 1; minus strand). Cytogenetic location: 8p11.21.
Variant type: single nucleotide variant.
Coding change: c.712-1G>A on transcript NM_000037.4 (MANE Select); the canonical splice acceptor site of the intron before coding-DNA position 712, G replaced by A.
Molecular consequence: splice acceptor variant.
Genome position (GRCh38, 1-based): chr8:41,723,634, C>T on the plus strand (G>A on the coding strand, the complement: ANK1 is on the minus strand). VCF-style: chr8-41723634-C-T. GRCh37 (hg19) VCF-style: chr8-41581152-C-T.
Other names: c.811-1G>A (NM_001142446.2); c.712-1G>A (NM_020477.3, NM_020475.3, NM_020476.3).
Identifiers: ClinVar variation 4081142 (VCV004081142.2).